The following is an entry in ClinVar:

NM_002900.3(RBP3):c.3388+5G>A

Gene: RBP3 (retinol binding protein 3; plus strand). Cytogenetic location: 10q11.22.
Variant type: single nucleotide variant.
Coding change: c.3388+5G>A on transcript NM_002900.3 (MANE Select); 5 bases into the intron after coding-DNA position 3388, G replaced by A.
Molecular consequence: intron variant.
Genome position (GRCh38, 1-based): chr10:47,355,523, G>A. VCF-style: chr10-47355523-G-A. GRCh37 (hg19) VCF-style: chr10-48383839-C-T.
Identifiers: ClinVar variation 953209 (VCV000953209.6), dbSNP rs371677831, ClinGen allele CA469571229.
Genomic context (GRCh38, chr10:47,355,523, plus strand): 5'-CTACAGCCGGCCTGATGACTCTGTCAGTGAACTCTGGACACACGCCCAGGTTGTAGGTAC[G>A]TGGAGAAGCTTTCTCCTTTCTGCTGTCATTCTAGAAGCTTCTGGGAAACCAGGGAAAGAC-3'

ClinVar aggregate classification (germline): Uncertain significance. Review status: criteria provided, multiple submitters, no conflicts (2 of 4 stars). 2 submissions from 2 submitters: Uncertain significance (2). Last evaluated 2023-11-07.

Allele frequency attached by ClinVar (database versions not stated): gnomAD exomes 0.00002; TOPMed 0.00002; gnomAD 0.00003 and 0.00004; ESP Exome Variant Server 0.00008.

Submissions (2):

Blueprint Genetics
Classification: Uncertain significance. Last evaluated: 2023-11-07. Review status: criteria provided, single submitter. Criteria: ACMG Guidelines, 2015. Collection method: clinical testing. Allele origin: germline.

Labcorp Genetics (formerly Invitae), Labcorp
Classification: Uncertain significance. Last evaluated: 2022-07-06. Review status: criteria provided, single submitter. Criteria: Invitae Variant Classification Sherloc (09022015). Collection method: clinical testing. Allele origin: germline.
Comment: In summary, the available evidence is currently insufficient to determine the role of this variant in disease. Therefore, it has been classified as a Variant of Uncertain Significance. Variants that disrupt the consensus splice site are a relatively common cause of aberrant splicing (PMID: 17576681, 9536098). Algorithms developed to predict the effect of sequence changes on RNA splicing suggest that this variant may create or strengthen a splice site. ClinVar contains an entry for this variant (Variation ID: 953209). This variant has not been reported in the literature in individuals affected with RBP3-related conditions. This variant is present in population databases (rs371677831, gnomAD 0.003%). This sequence change falls in intron 3 of the RBP3 gene. It does not directly change the encoded amino acid sequence of the RBP3 protein. It affects a nucleotide within the consensus splice site.

Literature cited by the submitters: PubMed 17576681 (cited by Labcorp Genetics (formerly Invitae), Labcorp); PubMed 9536098 (cited by Labcorp Genetics (formerly Invitae), Labcorp).